The following is an entry in ClinVar:

ClinVar aggregate classification (germline): Uncertain significance (1 of 4 stars; one submission).

Conditions:
Cerebral creatine deficiency syndrome. Also called: Creatine deficiency syndromes. Identifiers: Orphanet 79172, MedGen C5244016, MONDO:0000456.

Submission:

Labcorp Genetics (formerly Invitae), Labcorp
Classification: Uncertain significance for Cerebral creatine deficiency syndrome. Last evaluated: 2021-08-24. Review status: criteria provided, single submitter. Criteria: Invitae Variant Classification Sherloc (09022015). Collection method: clinical testing. Allele origin: germline.
Comment: This sequence change replaces leucine with arginine at codon 177 of the GAMT protein (p.Leu177Arg). The leucine residue is highly conserved and there is a moderate physicochemical difference between leucine and arginine. This variant is not present in population databases (ExAC no frequency). This variant has not been reported in the literature in individuals affected with GAMT-related conditions. Algorithms developed to predict the effect of missense changes on protein structure and function are either unavailable or do not agree on the potential impact of this missense change (SIFT: "Deleterious"; PolyPhen-2: "Possibly Damaging"; Align-GVGD: "Class C0"). In summary, the available evidence is currently insufficient to determine the role of this variant in disease. Therefore, it has been classified as a Variant of Uncertain Significance.

NM_000156.6(GAMT):c.530T>G (p.Leu177Arg)

Gene: GAMT (guanidinoacetate N-methyltransferase; minus strand). Cytogenetic location: 19p13.3.
Variant type: single nucleotide variant.
Coding change: c.530T>G on transcript NM_000156.6 (MANE Select); coding-DNA position 530, T replaced by G.
Protein change: p.Leu177Arg; replaces leucine 177 with arginine.
Molecular consequence: missense variant.
Genome position (GRCh38, 1-based): chr19:1,398,956, A>C on the plus strand (T>G on the coding strand, the complement: GAMT is on the minus strand). VCF-style: chr19-1398956-A-C. GRCh37 (hg19) VCF-style: chr19-1398955-A-C.
Other names: c.530T>G, p.Leu177Arg (NM_138924.3); short protein forms L177R.
Identifiers: ClinVar variation 544258 (VCV000544258.6), dbSNP rs1555777015, ClinGen allele CA402994301.